The following is an entry in ClinVar:

ClinVar aggregate classification (germline): Benign. Review status: criteria provided, multiple submitters, no conflicts (2 of 4 stars). 3 submissions from 3 submitters: Benign (3). Last evaluated 2024-07-15.

Allele frequency attached by ClinVar (database versions not stated): gnomAD exomes 0.63013; gnomAD 0.69761 and 0.70043; 1000 Genomes Project 0.71486.
gnomAD v4.1: 700,681 of 1,096,964 alleles (64%); highest among the groups gnomAD compares: East Asian, 78%; 207,139 homozygotes.

Submissions (3):

Unidad de Genómica Garrahan, Hospital de Pediatría Garrahan
Classification: Benign. Last evaluated: 2024-07-15. Review status: criteria provided, single submitter. Criteria: ACMG Guidelines, 2015. Collection method: clinical testing. Allele origin: germline. Affected: no. Observed: 43 variant alleles.
Comment: This variant is classified as Benign based on local population frequency. This variant was detected in 46% of patients studied in a panel designed for Epileptic and Developmental Encephalopathy and Progressive Myoclonus Epilepsy. Number of patients: 43. Only high quality variants are reported.

GeneDx
Classification: Benign. Last evaluated: 2020-06-17. Review status: criteria provided, single submitter. Criteria: GeneDx Variant Classification Process June 2021. Collection method: clinical testing. Allele origin: germline. Affected: yes.

Breakthrough Genomics
Classification: Benign. Review status: criteria provided, single submitter. Criteria: ACMG Guidelines, 2015. Collection method: not provided. Allele origin: germline. Inheritance: Autosomal dominant inheritance. Affected: yes.

NM_001165963.4(SCN1A):c.3429+110T>A

Genes: SCN1A (sodium voltage-gated channel alpha subunit 1; minus strand), LOC102724058 (uncharacterized LOC102724058; plus strand). Cytogenetic location: 2q24.3.
Variant type: single nucleotide variant.
Coding change: c.3429+110T>A on transcript NM_001165963.4 (MANE Select); 110 bases into the intron after coding-DNA position 3429, T replaced by A.
Molecular consequence: intron variant.
Genome position (GRCh38, 1-based): chr2:166,035,938, A>T on the plus strand (T>A on the coding strand, the complement: SCN1A is on the minus strand). VCF-style: chr2-166035938-A-T. GRCh37 (hg19) VCF-style: chr2-166892448-A-T.
Other names: c.3396+110T>A (NM_001353949.2, NM_001353950.2, NM_001353951.2 and 2 more transcripts); c.3345+110T>A (NM_001353958.2, NM_001353957.2, NM_001165964.3); c.3429+110T>A (NM_001202435.3, NM_001353948.2); c.3393+110T>A (NM_001353955.2, NM_001353954.2); c.3342+110T>A (NM_001353960.2); c.987+110T>A (NM_001353961.2).
Identifiers: ClinVar variation 1272000 (VCV001272000.4), dbSNP rs114707732, ClinGen allele CA59786768.